The following is an entry in ClinVar:

ClinVar aggregate classification (germline): Uncertain significance. Review status: criteria provided, multiple submitters, no conflicts (2 of 4 stars). 2 submissions from 2 submitters: Uncertain significance (2). Last evaluated 2025-02-25.

Conditions:
Fumarase deficiency (FMRD). Also called: Fumaric aciduria; Fumarate Hydratase Deficiency. Identifiers: Orphanet 24, MedGen C0342770, MONDO:0011730, OMIM 606812.
Hereditary cancer-predisposing syndrome. Also called: Hereditary neoplastic syndrome; Tumor predisposition; Neoplastic Syndromes, Hereditary; Hereditary Cancer Syndrome. Identifiers: Orphanet 140162, MedGen C0027672, MeSH D009386, MONDO:0015356.

Submissions (2):

Ambry Genetics
Classification: Uncertain significance for Hereditary cancer-predisposing syndrome. Last evaluated: 2025-02-25. Review status: criteria provided, single submitter. Criteria: Ambry Variant Classification Scheme 2023. Collection method: clinical testing. Allele origin: germline.
Comment: The p.M151T variant (also known as c.452T>C), located in coding exon 4 of the FH gene, results from a T to C substitution at nucleotide position 452. The methionine at codon 151 is replaced by threonine, an amino acid with similar properties. This amino acid position is highly conserved in available vertebrate species. In addition, this alteration is predicted to be deleterious by in silico analysis. Based on the available evidence, the clinical significance of this variant remains unclear.

Labcorp Genetics (formerly Invitae), Labcorp
Classification: Uncertain significance for Fumarase deficiency. Last evaluated: 2019-08-15. Review status: criteria provided, single submitter. Criteria: Invitae Variant Classification Sherloc (09022015). Collection method: clinical testing. Allele origin: germline.
Comment: This sequence change replaces methionine with threonine at codon 151 of the FH protein (p.Met151Thr). The methionine residue is highly conserved and there is a moderate physicochemical difference between methionine and threonine. This variant is not present in population databases (ExAC no frequency). This variant has not been reported in the literature in individuals with FH-related conditions. Algorithms developed to predict the effect of missense changes on protein structure and function (SIFT, PolyPhen-2, Align-GVGD) all suggest that this variant is likely to be disruptive, but these predictions have not been confirmed by published functional studies and their clinical significance is uncertain. In summary, the available evidence is currently insufficient to determine the role of this variant in disease. Therefore, it has been classified as a Variant of Uncertain Significance.

NM_000143.4(FH):c.452T>C (p.Met151Thr)

Gene: FH (fumarate hydratase; minus strand). Cytogenetic location: 1q43.
Variant type: single nucleotide variant.
Coding change: c.452T>C on transcript NM_000143.4 (MANE Select); coding-DNA position 452, T replaced by C.
Protein change: p.Met151Thr; replaces methionine 151 with threonine.
Molecular consequence: missense variant.
Genome position (GRCh38, 1-based): chr1:241,512,070, A>G on the plus strand (T>C on the coding strand, the complement: FH is on the minus strand). VCF-style: chr1-241512070-A-G. GRCh37 (hg19) VCF-style: chr1-241675370-A-G.
Other names: short protein forms M151T.
Identifiers: ClinVar variation 957086 (VCV000957086.4), dbSNP rs1660099266, ClinGen allele CA345440075.